The following is an entry in ClinVar:

ClinVar aggregate classification (germline): Uncertain significance (1 of 4 stars; one submission).

Allele frequency attached by ClinVar (database versions not stated): ExAC 0.00001; gnomAD exomes 0.00002.
gnomAD v4.1: 25 of 1,614,086 alleles (0.0015%); highest among the groups gnomAD compares: South Asian, 0.025%; no homozygotes.

Submission:

Labcorp Genetics (formerly Invitae), Labcorp
Classification: Uncertain significance. Last evaluated: 2022-08-21. Review status: criteria provided, single submitter. Criteria: Invitae Variant Classification Sherloc (09022015). Collection method: clinical testing. Allele origin: germline.
Comment: This sequence change replaces isoleucine, which is neutral and non-polar, with valine, which is neutral and non-polar, at codon 403 of the SERPINH1 protein (p.Ile403Val). This variant is present in population databases (rs758706956, gnomAD 0.02%). This variant has not been reported in the literature in individuals affected with SERPINH1-related conditions. Advanced modeling of protein sequence and biophysical properties (such as structural, functional, and spatial information, amino acid conservation, physicochemical variation, residue mobility, and thermodynamic stability) performed at Invitae indicates that this missense variant is not expected to disrupt SERPINH1 protein function. In summary, the available evidence is currently insufficient to determine the role of this variant in disease. Therefore, it has been classified as a Variant of Uncertain Significance.

NM_001235.5(SERPINH1):c.1207A>G (p.Ile403Val)

Gene: SERPINH1 (serpin family H member 1; plus strand). Cytogenetic location: 11q13.5.
Variant type: single nucleotide variant.
Coding change: c.1207A>G on transcript NM_001235.5 (MANE Select); coding-DNA position 1207, A replaced by G.
Protein change: p.Ile403Val; replaces isoleucine 403 with valine.
Molecular consequence: missense variant.
Genome position (GRCh38, 1-based): chr11:75,572,033, A>G. VCF-style: chr11-75572033-A-G. GRCh37 (hg19) VCF-style: chr11-75283078-A-G.
Other names: c.1207A>G, p.Ile403Val (NM_001207014.3); short protein forms I403V.
Identifiers: ClinVar variation 2002355 (VCV002002355.1), dbSNP rs758706956, ClinGen allele CA6191045.